The following is an entry in ClinVar:

NM_002734.5(PRKAR1A):c.1064T>G (p.Phe355Cys)

Gene: PRKAR1A (protein kinase cAMP-dependent type I regulatory subunit alpha; plus strand). Cytogenetic location: 17q24.2.
Variant type: single nucleotide variant.
Coding change: c.1064T>G on transcript NM_002734.5 (MANE Select); coding-DNA position 1064, T replaced by G.
Protein change: p.Phe355Cys; replaces phenylalanine 355 with cysteine.
Molecular consequence: missense variant. On other transcripts: intron variant (1).
Genome position (GRCh38, 1-based): chr17:68,530,367, T>G. VCF-style: chr17-68530367-T-G. GRCh37 (hg19) VCF-style: chr17-66526508-T-G.
Other names: c.1064T>G, p.Phe355Cys (NM_001276289.2, NM_001278433.2, NM_001369389.1 and 3 more transcripts); c.973+366T>G (NM_001276290.1); short protein forms F355C.
Identifiers: ClinVar variation 1781335 (VCV001781335.6), dbSNP rs1473853442, ClinGen allele CA400754729.

ClinVar aggregate classification (germline): Uncertain significance. Review status: criteria provided, multiple submitters, no conflicts (2 of 4 stars). 2 submissions from 2 submitters: Uncertain significance (2). Last evaluated 2025-06-20.

Conditions:
Hereditary cancer-predisposing syndrome. Also called: Neoplastic Syndromes, Hereditary; Tumor predisposition; Hereditary Cancer Syndrome; Hereditary neoplastic syndrome. Identifiers: Orphanet 140162, MedGen C0027672, MeSH D009386, MONDO:0015356.
Carney complex, type 1 (CNC1). Also called: CARNEY MYXOMA-ENDOCRINE COMPLEX; CARNEY COMPLEX, TYPE I. Identifiers: Orphanet 1359, MedGen C2607929, MONDO:0008057, OMIM 160980.

Allele frequency attached by ClinVar (database versions not stated): gnomAD exomes below 0.00001; TOPMed below 0.00001; gnomAD 0.00001.

Submissions (2):

Ambry Genetics
Classification: Uncertain significance for Hereditary cancer-predisposing syndrome. Last evaluated: 2025-06-20. Review status: criteria provided, single submitter. Criteria: Ambry Variant Classification Scheme 2023. Collection method: clinical testing. Allele origin: germline.
Comment: The p.F355C variant (also known as c.1064T>G), located in coding exon 10 of the PRKAR1A gene, results from a T to G substitution at nucleotide position 1064. The phenylalanine at codon 355 is replaced by cysteine, an amino acid with highly dissimilar properties. This amino acid position is conserved. In addition, this alteration is predicted to be deleterious by in silico analysis. Since supporting evidence is limited at this time, the clinical significance of this alteration remains unclear.

Labcorp Genetics (formerly Invitae), Labcorp
Classification: Uncertain significance for Carney complex, type 1. Last evaluated: 2024-09-23. Review status: criteria provided, single submitter. Criteria: Invitae Variant Classification Sherloc (09022015). Collection method: clinical testing. Allele origin: germline.
Comment: This sequence change replaces phenylalanine, which is neutral and non-polar, with cysteine, which is neutral and slightly polar, at codon 355 of the PRKAR1A protein (p.Phe355Cys). This variant is not present in population databases (gnomAD no frequency). This variant has not been reported in the literature in individuals affected with PRKAR1A-related conditions. ClinVar contains an entry for this variant (Variation ID: 1781335). Invitae Evidence Modeling of protein sequence and biophysical properties (such as structural, functional, and spatial information, amino acid conservation, physicochemical variation, residue mobility, and thermodynamic stability) indicates that this missense variant is expected to disrupt PRKAR1A protein function with a positive predictive value of 80%. In summary, the available evidence is currently insufficient to determine the role of this variant in disease. Therefore, it has been classified as a Variant of Uncertain Significance.